The following is an entry in ClinVar:

ClinVar aggregate classification (germline): Conflicting classifications of pathogenicity. Review status: criteria provided, conflicting classifications (1 of 4 stars). 9 submissions from 8 submitters: Uncertain significance (2); Likely benign (5). 2 of the submissions do not count toward it. Last evaluated 2026-02-01.

Conditions:
Immunodeficiency 95 (IMD95). Identifiers: MedGen C5676929, MONDO:0030692, OMIM 619773.
Aicardi-Goutieres syndrome 7 (AGS7). Identifiers: Orphanet 51, MedGen C3888244, MONDO:0014367, OMIM 615846.
Singleton-Merten syndrome 1 (SGMRT1). Also called: Widened medullary cavities of bone, aortic calcification, abnormal dentition, and muscular weakness; Syndrome of widened medullary cavities of the metacarpals and phalanges, aortic calcification and abnormal dentition. Identifiers: Orphanet 85191, MedGen C4225427, MONDO:0024535, OMIM 182250.
IFIH1-related disorder. Also called: IFIH1-related condition.

Allele frequency attached by ClinVar (database versions not stated): ESP Exome Variant Server 0.00062; TOPMed 0.00063; gnomAD 0.00075 and 0.00079; gnomAD exomes 0.00135 and 0.00061; 1000 Genomes Project 30x 0.00047; 1000 Genomes Project 0.00060; ExAC 0.00061.

Submissions (9):

Labcorp Genetics (formerly Invitae), Labcorp
Classification: Likely benign for Aicardi-Goutieres syndrome 7; Singleton-Merten syndrome 1. Last evaluated: 2026-02-01. Review status: criteria provided, single submitter. Criteria: Invitae Variant Classification Sherloc (09022015). Collection method: clinical testing. Allele origin: germline.

Women's Health and Genetics/Laboratory Corporation of America, LabCorp
Classification: Likely benign. Last evaluated: 2025-11-13. Review status: criteria provided, single submitter. Criteria: LabCorp Variant Classification Summary - May 2015. Collection method: clinical testing. Allele origin: germline.

Mayo Clinic Laboratories, Mayo Clinic
Classification: Likely benign. Last evaluated: 2025-02-25. Review status: criteria provided, single submitter. Criteria: ACMG Guidelines, 2015. Collection method: clinical testing. Allele origin: germline. Observed: 2 variant alleles.
Comment: BS1, BP4

PreventionGenetics, part of Exact Sciences
Classification: Likely benign for IFIH1-related condition. Last evaluated: 2024-12-17. Review status: criteria provided, single submitter. Criteria: ACMG Guidelines, 2015. Collection method: clinical testing. Allele origin: germline.
Comment: This variant is classified as likely benign based on ACMG/AMP sequence variant interpretation guidelines (Richards et al. 2015 PMID: 25741868, with internal and published modifications).

Blueprint Genetics
Classification: Likely benign. Last evaluated: 2024-10-31. Review status: criteria provided, single submitter. Criteria: ACMG Guidelines, 2015. Collection method: clinical testing. Allele origin: germline.

Center for Genomics, Ann and Robert H. Lurie Children's Hospital of Chicago
Classification: Uncertain significance for Aicardi-Goutieres syndrome 7; Singleton-Merten syndrome 1. Last evaluated: 2021-06-14. Review status: criteria provided, single submitter. Criteria: ACMG Guidelines, 2015. Collection method: clinical testing. Allele origin: germline.
Comment: IFIH1 NM_022168.3 exon 2 p.Asn160Asp (c.478A>G):This variant has not been reported in the literature but is present in 0.1% (92/67994) of European alleles in the Genome Aggregation Database. This variant is present in ClinVar (Variation ID:625959). Evolutionary conservation suggests that this variant may impact the protein; computational prediction tools are unclear. In summary, data on this variant is insufficient for disease classification. Therefore, the clinical significance of this variant is uncertain.

Center for Genomics, Ann and Robert H. Lurie Children's Hospital of Chicago
Classification: Uncertain significance for Immunodeficiency 95; Aicardi-Goutieres syndrome 7; Singleton-Merten syndrome 1. Last evaluated: 2021-03-30. Review status: criteria provided, single submitter. Criteria: ACMG Guidelines, 2015. Collection method: clinical testing. Allele origin: germline.
Comment: IFIH1 NM_022168 exon 2 p.Asn160Asp (c.478A>G): This variant has not been reported in the literature but is present in 0.1% (160/126122) of European alleles in the Genome Aggregation Database. Evolutionary conservation and computational predictive tools suggest that this variant may impact the protein. In summary, data on this variant is insufficient for disease classification. Therefore, the clinical significance of this variant is uncertain.

Clinical Genetics DNA and cytogenetics Diagnostics Lab, Erasmus MC, Erasmus Medical Center
Classification: Likely benign. Review status: no assertion criteria provided. Collection method: clinical testing. Allele origin: germline. Affected: yes. Study: VKGL Data-share Consensus. Not counted in ClinVar's aggregate classification.

Diagnostic Laboratory, Department of Genetics, University Medical Center Groningen
Classification: Likely benign. Review status: no assertion criteria provided. Collection method: clinical testing. Allele origin: germline. Affected: yes. Study: VKGL Data-share Consensus. Not counted in ClinVar's aggregate classification.

Literature cited by the submitters: PubMed 27477329 (cited by Mayo Clinic Laboratories, Mayo Clinic).

NM_022168.4(IFIH1):c.478A>G (p.Asn160Asp)

Gene: IFIH1 (interferon induced with helicase C domain 1; minus strand). Cytogenetic location: 2q24.2.
Variant type: single nucleotide variant.
Coding change: c.478A>G on transcript NM_022168.4 (MANE Select); coding-DNA position 478, A replaced by G.
Protein change: p.Asn160Asp; replaces asparagine 160 with aspartic acid.
Molecular consequence: missense variant.
Genome position (GRCh38, 1-based): chr2:162,310,909, T>C on the plus strand (A>G on the coding strand, the complement: IFIH1 is on the minus strand). VCF-style: chr2-162310909-T-C. GRCh37 (hg19) VCF-style: chr2-163167419-T-C.
Other names: p.Asn160Asp; c.478A>G, p.Asn160Asp (LRG_1235t1); short protein forms N160D.
Identifiers: ClinVar variation 625959 (VCV000625959.24), dbSNP rs74162075, ClinGen allele CA1934794.